The following is an entry in ClinVar:

NM_002948.5(RPL15):c.128C>T (p.Thr43Ile)

Genes: NKIRAS1 (NFKB inhibitor interacting Ras like 1; minus strand), RPL15 (ribosomal protein L15; plus strand). Cytogenetic location: 3p24.2.
Variant type: single nucleotide variant.
Coding change: c.128C>T on transcript NM_002948.5 (MANE Select); coding-DNA position 128, C replaced by T.
Protein change: p.Thr43Ile; replaces threonine 43 with isoleucine.
Molecular consequence: missense variant. On other transcripts: intron variant (1).
Genome position (GRCh38, 1-based): chr3:23,917,987, C>T. VCF-style: chr3-23917987-C-T. GRCh37 (hg19) VCF-style: chr3-23959478-C-T.
Other names: c.128C>T, p.Thr43Ile (NM_001253379.2, NM_001253380.2, NM_001253382.2 and 2 more transcripts); c.-139-6537G>A (NM_001377380.1); short protein forms T43I.
Identifiers: ClinVar variation 1400084 (VCV001400084.6), dbSNP rs766954372, ClinGen allele CA2286433.

ClinVar aggregate classification (germline): Uncertain significance (1 of 4 stars; one submission).

Allele frequency attached by ClinVar (database versions not stated): gnomAD exomes below 0.00001; ExAC 0.00001.
gnomAD v4.1: 1 of 1,612,324 alleles (0.000062%); highest among the groups gnomAD compares: African/African-American, 0.0013%; no homozygotes.

Submission:

Labcorp Genetics (formerly Invitae), Labcorp
Classification: Uncertain significance. Last evaluated: 2021-11-19. Review status: criteria provided, single submitter. Criteria: Invitae Variant Classification Sherloc (09022015). Collection method: clinical testing. Allele origin: germline.
Comment: In summary, the available evidence is currently insufficient to determine the role of this variant in disease. Therefore, it has been classified as a Variant of Uncertain Significance. Algorithms developed to predict the effect of missense changes on protein structure and function are either unavailable or do not agree on the potential impact of this missense change (SIFT: "Deleterious"; PolyPhen-2: "Benign"; Align-GVGD: "Class C65"). This variant has not been reported in the literature in individuals affected with RPL15-related conditions. This variant is present in population databases (rs766954372, gnomAD 0.007%). This sequence change replaces threonine, which is neutral and polar, with isoleucine, which is neutral and non-polar, at codon 43 of the RPL15 protein (p.Thr43Ile).